The following is an entry in ClinVar:

NM_000388.4(CASR):c.2203C>A (p.Gln735Lys)

Gene: CASR (calcium sensing receptor; plus strand). Cytogenetic location: 3q21.1.
Variant type: single nucleotide variant.
Coding change: c.2203C>A on transcript NM_000388.4 (MANE Select); coding-DNA position 2203, C replaced by A.
Protein change: p.Gln735Lys; replaces glutamine 735 with lysine.
Molecular consequence: missense variant.
Genome position (GRCh38, 1-based): chr3:122,284,157, C>A. VCF-style: chr3-122284157-C-A. GRCh37 (hg19) VCF-style: chr3-122003004-C-A.
Other names: c.2233C>A, p.Gln745Lys (NM_001178065.2); short protein forms Q735K, Q745K.
Identifiers: ClinVar variation 446991 (VCV000446991.5), dbSNP rs1553769052, ClinGen allele CA354159015.

ClinVar aggregate classification (germline): Conflicting classifications of pathogenicity. Review status: criteria provided, conflicting classifications (1 of 4 stars). 3 submissions from 3 submitters: Likely pathogenic (1); Uncertain significance (2). Last evaluated 2022-11-30.

Conditions:
Autosomal dominant hypocalcemia 1 (HYPOC1). Also called: HYPOCALCEMIA, FAMILIAL. Identifiers: MedGen C3715128, MONDO:0011013, OMIM 601198.
Familial hypocalciuric hypercalcemia (FHH). Also called: Familial benign hypercalcemia. Identifiers: Orphanet 405, MedGen C1809471, MONDO:0018458.

Submissions (3):

Labcorp Genetics (formerly Invitae), Labcorp
Classification: Likely pathogenic for Familial hypocalciuric hypercalcemia; Autosomal dominant hypocalcemia 1. Last evaluated: 2022-11-30. Review status: criteria provided, single submitter. Criteria: Invitae Variant Classification Sherloc (09022015). Collection method: clinical testing. Allele origin: germline.
Comment: ClinVar contains an entry for this variant (Variation ID: 446991). This missense change has been observed in individual(s) with hypocalciuric hypercalcemia (PMID: 32347971; Invitae). In at least one individual the variant was observed to be de novo. Algorithms developed to predict the effect of missense changes on protein structure and function (SIFT, PolyPhen-2, Align-GVGD) all suggest that this variant is likely to be disruptive. In summary, the currently available evidence indicates that the variant is pathogenic, but additional data are needed to prove that conclusively. Therefore, this variant has been classified as Likely Pathogenic. This sequence change replaces glutamine, which is neutral and polar, with lysine, which is basic and polar, at codon 735 of the CASR protein (p.Gln735Lys). This variant is not present in population databases (gnomAD no frequency).

Blueprint Genetics
Classification: Uncertain significance. Last evaluated: 2020-08-05. Review status: criteria provided, single submitter. Criteria: ACMG Guidelines, 2015. Collection method: clinical testing. Allele origin: germline.

Athena Diagnostics
Classification: Uncertain significance. Last evaluated: 2017-04-06. Review status: criteria provided, single submitter. Criteria: Athena Diagnostics Criteria. Collection method: clinical testing. Allele origin: germline.

Literature cited by the submitters: PubMed 32347971 (cited by Labcorp Genetics (formerly Invitae), Labcorp).